The following is an entry in ClinVar:

NM_031935.3(HMCN1):c.3291A>G (p.Val1097=)

Gene: HMCN1 (hemicentin 1; plus strand). Cytogenetic location: 1q31.1.
Variant type: single nucleotide variant.
Coding change: c.3291A>G on transcript NM_031935.3 (MANE Select); coding-DNA position 3291, A replaced by G.
Protein change: p.Val1097=; no amino-acid change (valine 1097 retained).
Molecular consequence: synonymous variant.
Genome position (GRCh38, 1-based): chr1:185,990,357, A>G. VCF-style: chr1-185990357-A-G. GRCh37 (hg19) VCF-style: chr1-185959489-A-G.
Identifiers: ClinVar variation 2042623 (VCV002042623.4), dbSNP rs1295502050, ClinGen allele CA422324459.

ClinVar aggregate classification (germline): Uncertain significance (1 of 4 stars; one submission).

Allele frequency attached by ClinVar (database versions not stated): gnomAD 0.00001; gnomAD exomes 0.00001.
gnomAD v4.1: 15 of 1,613,352 alleles (0.00093%); highest among the groups gnomAD compares: Non-Finnish European, 0.0013%; no homozygotes.

Submission:

Labcorp Genetics (formerly Invitae), Labcorp
Classification: Uncertain significance. Last evaluated: 2022-04-09. Review status: criteria provided, single submitter. Criteria: Invitae Variant Classification Sherloc (09022015). Collection method: clinical testing. Allele origin: germline.
Comment: This variant has not been reported in the literature in individuals affected with HMCN1-related conditions. This sequence change affects codon 1097 of the HMCN1 mRNA. It is a 'silent' change, meaning that it does not change the encoded amino acid sequence of the HMCN1 protein. This variant is present in population databases (no rsID available, gnomAD 0.002%). Algorithms developed to predict the effect of sequence changes on RNA splicing suggest that this variant may disrupt the consensus splice site. In summary, the available evidence is currently insufficient to determine the role of this variant in disease. Therefore, it has been classified as a Variant of Uncertain Significance.